The following is an entry in ClinVar:

NM_001388303.1(HECTD4):c.996A>G (p.Lys332=)

Gene: HECTD4 (HECT domain E3 ubiquitin protein ligase 4; minus strand). Cytogenetic location: 12q24.13.
Variant type: single nucleotide variant.
Coding change: c.996A>G on transcript NM_001388303.1 (MANE Select); coding-DNA position 996, A replaced by G.
Protein change: p.Lys332=; no amino-acid change (lysine 332 retained).
Molecular consequence: synonymous variant.
Genome position (GRCh38, 1-based): chr12:112,309,590, T>C on the plus strand (A>G on the coding strand, the complement: HECTD4 is on the minus strand). VCF-style: chr12-112309590-T-C. GRCh37 (hg19) VCF-style: chr12-112747394-T-C.
Other names: c.996A>G, p.Lys332= (NM_001109662.4).
Identifiers: ClinVar variation 4084098 (VCV004084098.8).

ClinVar aggregate classification (germline): Likely benign (1 of 4 stars; one submission).

gnomAD v4.1: 216 of 1,525,322 alleles (0.014%); highest among the groups gnomAD compares: Non-Finnish European, 0.017%; no homozygotes.

Submission:

CeGaT Center for Human Genetics Tuebingen
Classification: Likely benign. Last evaluated: 2025-07-01. Review status: criteria provided, single submitter. Criteria: CeGaT Center For Human Genetics Tuebingen Variant Classification Criteria Version 2. Collection method: clinical testing. Allele origin: germline. Affected: yes. Observed: 1 variant allele.
Comment: HECTD4: BP4, BP7